The following is an entry in ClinVar:

ClinVar aggregate classification (germline): Likely benign (1 of 4 stars; one submission).

Allele frequency attached by ClinVar (database versions not stated): gnomAD exomes below 0.00001; gnomAD 0.00001; TOPMed 0.00001.
gnomAD v4.1: 7 of 1,614,096 alleles (0.00043%); highest among the groups gnomAD compares: Non-Finnish European, 0.00059%; no homozygotes.

Submission:

GeneDx
Classification: Likely benign. Last evaluated: 2023-04-20. Review status: criteria provided, single submitter. Criteria: GeneDx Variant Classification Process June 2021. Collection method: clinical testing. Allele origin: germline. Affected: yes.
Comment: See Variant Classification Assertion Criteria.

NM_001429.4(EP300):c.1699A>G (p.Ile567Val)

Gene: EP300 (E1A binding protein p300; plus strand). Cytogenetic location: 22q13.2.
Variant type: single nucleotide variant.
Coding change: c.1699A>G on transcript NM_001429.4 (MANE Select); coding-DNA position 1699, A replaced by G.
Protein change: p.Ile567Val; replaces isoleucine 567 with valine.
Molecular consequence: missense variant.
Genome position (GRCh38, 1-based): chr22:41,137,729, A>G. VCF-style: chr22-41137729-A-G. GRCh37 (hg19) VCF-style: chr22-41533733-A-G.
Other names: c.1699A>G, p.Ile567Val (NM_001362843.2); short protein forms I567V.
Identifiers: ClinVar variation 2136090 (VCV002136090.2), dbSNP rs1372753839, ClinGen allele CA411687217.
Genomic context (GRCh38, chr22:41,137,729, plus strand): 5'-AATGCCAGTGTGCCCTCCCTGGGTCCTATGCCAACAGCAGCTCAACCATCCACTACTGGA[A>G]TTCGGAAACAGTGGCACGAAGATATTACTCAGGATCTTCGAAATCATCTTGTTCACAAAC-3'
Protein context (NP_001420.2, residues 557-577): PTAAQPSTTG[Ile567Val]RKQWHEDITQ